The following is an entry in ClinVar:

ClinVar aggregate classification (germline): Uncertain significance. Review status: criteria provided, multiple submitters, no conflicts (2 of 4 stars). 3 submissions from 3 submitters: Uncertain significance (2). 1 of the submissions does not count toward it. Last evaluated 2024-12-24.

Conditions:
Ehlers-Danlos syndrome, dermatosparaxis type. Also called: EDS VIIC; Dermatosparaxis; Ehlers-Danlos syndrome, type VII, autosomal recessive. Identifiers: Orphanet 1901, MedGen C2700425, MONDO:0009161, OMIM 225410.
Inborn genetic diseases. Identifiers: MedGen C0950123, MeSH D030342.

Allele frequency attached by ClinVar (database versions not stated): gnomAD exomes below 0.00001.

Submissions (3):

Ambry Genetics
Classification: Uncertain significance for Inborn genetic diseases. Last evaluated: 2024-12-24. Review status: criteria provided, single submitter. Criteria: Ambry Variant Classification Scheme 2023. Collection method: clinical testing. Allele origin: germline.

Labcorp Genetics (formerly Invitae), Labcorp
Classification: Uncertain significance for Ehlers-Danlos syndrome, dermatosparaxis type. Last evaluated: 2021-08-24. Review status: criteria provided, single submitter. Criteria: Invitae Variant Classification Sherloc (09022015). Collection method: clinical testing. Allele origin: germline.
Comment: This sequence change replaces phenylalanine with valine at codon 116 of the ADAMTS2 protein (p.Phe116Val). The phenylalanine residue is highly conserved and there is a small physicochemical difference between phenylalanine and valine. This variant is not present in population databases (ExAC no frequency). This variant has not been reported in the literature in individuals affected with ADAMTS2-related conditions. Algorithms developed to predict the effect of missense changes on protein structure and function are either unavailable or do not agree on the potential impact of this missense change (SIFT: "Deleterious"; PolyPhen-2: "Probably Damaging"; Align-GVGD: "Class C0"). In summary, the available evidence is currently insufficient to determine the role of this variant in disease. Therefore, it has been classified as a Variant of Uncertain Significance.

Natera, Inc.
Classification: Uncertain significance for Ehlers-Danlos syndrome type VIIC. Last evaluated: 2021-06-24. Review status: no assertion criteria provided. Collection method: clinical testing. Allele origin: germline. Not counted in ClinVar's aggregate classification.

NM_014244.5(ADAMTS2):c.346T>G (p.Phe116Val)

Gene: ADAMTS2 (ADAM metallopeptidase with thrombospondin type 1 motif 2; minus strand). Cytogenetic location: 5q35.3.
Variant type: single nucleotide variant.
Coding change: c.346T>G on transcript NM_014244.5 (MANE Select); coding-DNA position 346, T replaced by G.
Protein change: p.Phe116Val; replaces phenylalanine 116 with valine.
Molecular consequence: missense variant.
Genome position (GRCh38, 1-based): chr5:179,343,955, A>C on the plus strand (T>G on the coding strand, the complement: ADAMTS2 is on the minus strand). VCF-style: chr5-179343955-A-C. GRCh37 (hg19) VCF-style: chr5-178770956-A-C.
Other names: c.346T>G, p.Phe116Val (NM_021599.4); short protein forms F116V.
Identifiers: ClinVar variation 854488 (VCV000854488.10), dbSNP rs1232899709, ClinGen allele CA362622889.